The following is an entry in ClinVar:

ClinVar aggregate classification (germline): Uncertain significance (1 of 4 stars; one submission).

Conditions:
Gastrointestinal stromal tumor. Also called: Gastrointestinal stroma tumor; Gastrointestinal stromal tumor, somatic. Identifiers: Orphanet 44890, MedGen C0238198, MeSH D046152, MONDO:0011719, OMIM 606764, HP:0100723.

gnomAD v4.1: 1 of 1,613,910 alleles (0.000062%); highest among the groups gnomAD compares: Non-Finnish European, 0.000085%; no homozygotes.

Submission:

Labcorp Genetics (formerly Invitae), Labcorp
Classification: Uncertain significance for Gastrointestinal stromal tumor. Last evaluated: 2023-01-20. Review status: criteria provided, single submitter. Criteria: Invitae Variant Classification Sherloc (09022015). Collection method: clinical testing. Allele origin: germline.
Comment: This sequence change replaces phenylalanine, which is neutral and non-polar, with cysteine, which is neutral and slightly polar, at codon 508 of the KIT protein (p.Phe508Cys). This variant is not present in population databases (gnomAD no frequency). This variant has not been reported in the literature in individuals affected with KIT-related conditions. ClinVar contains an entry for this variant (Variation ID: 1364904). Algorithms developed to predict the effect of missense changes on protein structure and function are either unavailable or do not agree on the potential impact of this missense change (SIFT: "Deleterious"; PolyPhen-2: "Benign"; Align-GVGD: "Class C55"). In summary, the available evidence is currently insufficient to determine the role of this variant in disease. Therefore, it has been classified as a Variant of Uncertain Significance.

NM_000222.3(KIT):c.1523T>G (p.Phe508Cys)

Gene: KIT (KIT proto-oncogene, receptor tyrosine kinase; plus strand). Cytogenetic location: 4q12.
Variant type: single nucleotide variant.
Coding change: c.1523T>G on transcript NM_000222.3 (MANE Select); coding-DNA position 1523, T replaced by G.
Protein change: p.Phe508Cys; replaces phenylalanine 508 with cysteine.
Molecular consequence: missense variant.
Genome position (GRCh38, 1-based): chr4:54,726,033, T>G. VCF-style: chr4-54726033-T-G. GRCh37 (hg19) VCF-style: chr4-55592199-T-G.
Other names: c.1523T>G, p.Phe508Cys (NM_001093772.2, NM_001385285.1, NM_001385286.1); c.1526T>G, p.Phe509Cys (NM_001385284.1, NM_001385288.1, NM_001385290.1 and 1 more transcripts); short protein forms F509C, F508C.
Identifiers: ClinVar variation 1364904 (VCV001364904.8), dbSNP rs2109769785, ClinGen allele CA356906685.
Genomic context (GRCh38, chr4:54,726,033, plus strand): 5'-CGGTTGAATGTAAGGCTTACAACGATGTGGGCAAGACTTCTGCCTATTTTAACTTTGCAT[T>G]TAAAGGTAACAACAAAGGTATATTTCTTTTTAATCCAATTTAAGGGGATGTTTAGGCTCT-3'
Protein context (NP_000213.1, residues 498-518): GKTSAYFNFA[Phe508Cys]KGNNKEQIHP